The following is an entry in ClinVar:

NM_017617.5(NOTCH1):c.3365G>A (p.Cys1122Tyr)

Gene: NOTCH1 (notch receptor 1; minus strand). Cytogenetic location: 9q34.3.
Variant type: single nucleotide variant.
Coding change: c.3365G>A on transcript NM_017617.5 (MANE Select); coding-DNA position 3365, G replaced by A.
Protein change: p.Cys1122Tyr; replaces cysteine 1122 with tyrosine.
Molecular consequence: missense variant.
Genome position (GRCh38, 1-based): chr9:136,508,100, C>T on the plus strand (G>A on the coding strand, the complement: NOTCH1 is on the minus strand). VCF-style: chr9-136508100-C-T. GRCh37 (hg19) VCF-style: chr9-139402552-C-T.
Other names: c.3365G>A, p.Cys1122Tyr (LRG_1122t1); short protein forms C1122Y.
Identifiers: ClinVar variation 663548 (VCV000663548.8), dbSNP rs1589060802, ClinGen allele CA375551504.

ClinVar aggregate classification (germline): Uncertain significance (1 of 4 stars; one submission).

Conditions:
Adams-Oliver syndrome 5 (AOS5). Identifiers: Orphanet 974, MedGen C4014970, MONDO:0014459, OMIM 616028.

Submission:

Labcorp Genetics (formerly Invitae), Labcorp
Classification: Uncertain significance for Adams-Oliver syndrome 5. Last evaluated: 2018-09-05. Review status: criteria provided, single submitter. Criteria: Invitae Variant Classification Sherloc (09022015). Collection method: clinical testing. Allele origin: germline.
Comment: In summary, the available evidence is currently insufficient to determine the role of this variant in disease. Therefore, it has been classified as a Variant of Uncertain Significance. Algorithms developed to predict the effect of missense changes on protein structure and function are either unavailable or do not agree on the potential impact of this missense change (SIFT: "Deleterious"; PolyPhen-2: "Probably Damaging"; Align-GVGD: "Class C0"). This variant has not been reported in the literature in individuals with NOTCH1-related disease. This variant is not present in population databases (ExAC no frequency). This sequence change replaces cysteine with tyrosine at codon 1122 of the NOTCH1 protein (p.Cys1122Tyr). The cysteine residue is highly conserved and there is a large physicochemical difference between cysteine and tyrosine.